The following is an entry in ClinVar:

NM_000138.5(FBN1):c.2175T>C (p.Asn725=)

Gene: FBN1 (fibrillin 1; minus strand). Cytogenetic location: 15q21.1.
Variant type: single nucleotide variant.
Coding change: c.2175T>C on transcript NM_000138.5 (MANE Select); coding-DNA position 2175, T replaced by C.
Protein change: p.Asn725=; no amino-acid change (asparagine 725 retained).
Molecular consequence: synonymous variant.
Genome position (GRCh38, 1-based): chr15:48,497,384, A>G on the plus strand (T>C on the coding strand, the complement: FBN1 is on the minus strand). VCF-style: chr15-48497384-A-G. GRCh37 (hg19) VCF-style: chr15-48789581-A-G.
Other names: p.N725N:AAT>AAC.
Identifiers: ClinVar variation 42298 (VCV000042298.95), dbSNP rs140606, ClinGen allele CA012841.

ClinVar aggregate classification (germline): Conflicting classifications of pathogenicity. Review status: criteria provided, conflicting classifications (1 of 4 stars). 18 submissions from 12 submitters: Uncertain significance (1); Benign (11); Likely benign (6). Last evaluated 2026-07-01.

Conditions:
Connective tissue disorder. Also called: Connective tissue disease. Identifiers: MedGen C0009782, MONDO:0003900.
Geleophysic dysplasia. Identifiers: Orphanet 2623, MedGen C3489726, MONDO:0000127.
Weill-Marchesani syndrome. Also called: WM Syndrome; Mesodermal dysmorphodystrophy congenital. Identifiers: Orphanet 3449, MedGen C0265313, MONDO:0018096.
Familial thoracic aortic aneurysm and aortic dissection (TAAD). Also called: Thoracic aortic aneurysms and dissections. Identifiers: Orphanet 91387, MedGen C4707243, MONDO:0019625.
Marfan syndrome (MFS). Also called: Marfan syndrome, classic; FBN1-Related Marfan Syndrome; Marfan syndrome type 1; Marfan's syndrome; MARFAN SYNDROME, TYPE I. Identifiers: Orphanet 284963, Orphanet 558, MedGen C0024796, MONDO:0007947, OMIM 154700.
Acromicric dysplasia (ACMICD). Also called: Acromicric skeletal dysplasia. Identifiers: Orphanet 969, MedGen C0265287, MONDO:0007055, OMIM 102370.
Ectopia lentis 1, isolated, autosomal dominant (ECTOL1). Identifiers: Orphanet 1885, MedGen C3541518, MONDO:0007514, OMIM 129600.
Stiff skin syndrome (SSKS). Identifiers: Orphanet 2833, MedGen C1861456, MONDO:0008492, OMIM 184900.

Allele frequency attached by ClinVar (database versions not stated): ESP Exome Variant Server 0.00039; 1000 Genomes Project 30x 0.00047; gnomAD exomes 0.00020 and 0.00043; ExAC 0.00028; gnomAD 0.00029; TOPMed 0.00030; 1000 Genomes Project 0.00040.
gnomAD v4.1: 374 of 1,613,786 alleles (0.023%); highest among the groups gnomAD compares: Admixed American, 0.032%; 4 homozygotes.

Submissions (18):

CeGaT Center for Human Genetics Tuebingen
Classification: Likely benign. Last evaluated: 2026-07-01. Review status: criteria provided, single submitter. Criteria: CeGaT Center For Human Genetics Tuebingen Variant Classification Criteria Version 2. Collection method: clinical testing. Allele origin: germline. Affected: yes. Observed: 18 variant alleles.
Comment: FBN1: BP4, BP7

Labcorp Genetics (formerly Invitae), Labcorp
Classification: Likely benign for Marfan syndrome; Familial thoracic aortic aneurysm and aortic dissection. Last evaluated: 2026-02-01. Review status: criteria provided, single submitter. Criteria: Invitae Variant Classification Sherloc (09022015). Collection method: clinical testing. Allele origin: germline.

Molecular Diagnostic Laboratory for Inherited Cardiovascular Disease, Montreal Heart Institute
Classification: Benign. Last evaluated: 2025-04-09. Review status: criteria provided, single submitter. Criteria: ACMG Guidelines, 2015. Collection method: clinical testing. Allele origin: germline. Affected: no.

All of Us Research Program, National Institutes of Health
Classification: Benign for Marfan syndrome. Last evaluated: 2024-01-11. Review status: criteria provided, single submitter. Criteria: ACMG Guidelines, 2015. Collection method: clinical testing. Allele origin: germline. Inheritance: Autosomal dominant inheritance. Observed: 102 variant alleles, 101 heterozygotes, 1 homozygote.
Comment: This study involves interpretation of variants in research participants for the purpose of population health screening. Participant phenotype was not available at the time of variant classification. Additional details can be found in publication PMID: 35346344, PMCID: PMC8962531

Blueprint Genetics
Classification: Benign. Last evaluated: 2023-12-05. Review status: criteria provided, single submitter. Criteria: ACMG Guidelines, 2015. Collection method: clinical testing. Allele origin: germline.

CHEO Genetics Diagnostic Laboratory, Children's Hospital of Eastern Ontario
Classification: Benign for Familial thoracic aortic aneurysm and aortic dissection. Last evaluated: 2019-01-21. Review status: criteria provided, single submitter. Criteria: ACMG Guidelines, 2015. Collection method: clinical testing. Allele origin: germline.

Color Diagnostics, LLC DBA Color Health
Classification: Benign for Familial thoracic aortic aneurysm and aortic dissection. Last evaluated: 2018-10-21. Review status: criteria provided, single submitter. Criteria: ACMG Guidelines, 2015. Collection method: clinical testing. Allele origin: germline.

Illumina Laboratory Services, Illumina
Classification: Benign for Stiff skin syndrome. Last evaluated: 2018-01-12. Review status: criteria provided, single submitter. Criteria: ICSL Variant Classification Criteria 13 December 2019. Collection method: clinical testing. Allele origin: germline.
Comment: This variant was observed in the ICSL laboratory as part of a predisposition screen in an ostensibly healthy population. It had not been previously curated by ICSL or reported in the Human Gene Mutation Database (HGMD: prior to June 1st, 2018), and was therefore a candidate for classification through an automated scoring system. Utilizing variant allele frequency, disease prevalence and penetrance estimates, and inheritance mode, an automated score was calculated to assess if this variant is too frequent to cause the disease. Based on the score and internal cut-off values, a variant classified as benign is not then subjected to further curation. The score for this variant resulted in a classification of benign for this disease.

Illumina Laboratory Services, Illumina
Classification: Uncertain significance for Familial thoracic aortic aneurysm and aortic dissection. Last evaluated: 2018-01-12. Review status: criteria provided, single submitter. Criteria: ICSL Variant Classification Criteria 13 December 2019. Collection method: clinical testing. Allele origin: germline.

Illumina Laboratory Services, Illumina
Classification: Benign for Weill-Marchesani syndrome. Last evaluated: 2018-01-12. Review status: criteria provided, single submitter. Criteria: ICSL Variant Classification Criteria 13 December 2019. Collection method: clinical testing. Allele origin: germline.
Comment: the same text as in the submission from Illumina Laboratory Services, Illumina above.

Illumina Laboratory Services, Illumina
Classification: Likely benign for Marfan syndrome. Last evaluated: 2018-01-12. Review status: criteria provided, single submitter. Criteria: ICSL Variant Classification Criteria 13 December 2019. Collection method: clinical testing. Allele origin: germline.
Comment: This variant was observed in the ICSL laboratory as part of a predisposition screen in an ostensibly healthy population. It had not been previously curated by ICSL or reported in the Human Gene Mutation Database (HGMD: prior to June 1st, 2018), and was therefore a candidate for classification through an automated scoring system. Utilizing variant allele frequency, disease prevalence and penetrance estimates, and inheritance mode, an automated score was calculated to assess if this variant is too frequent to cause the disease. Based on the score and internal cut-off values, a variant classified as likely benign is not then subjected to further curation. The score for this variant resulted in a classification of likely benign for this disease.

Illumina Laboratory Services, Illumina
Classification: Benign for Geleophysic dysplasia. Last evaluated: 2018-01-12. Review status: criteria provided, single submitter. Criteria: ICSL Variant Classification Criteria 13 December 2019. Collection method: clinical testing. Allele origin: germline.
Comment: the same text as in the submission from Illumina Laboratory Services, Illumina above.

Illumina Laboratory Services, Illumina
Classification: Benign for Acromicric dysplasia. Last evaluated: 2018-01-12. Review status: criteria provided, single submitter. Criteria: ICSL Variant Classification Criteria 13 December 2019. Collection method: clinical testing. Allele origin: germline.
Comment: the same text as in the submission from Illumina Laboratory Services, Illumina above.

Illumina Laboratory Services, Illumina
Classification: Benign for Ectopia lentis 1, isolated, autosomal dominant. Last evaluated: 2018-01-12. Review status: criteria provided, single submitter. Criteria: ICSL Variant Classification Criteria 13 December 2019. Collection method: clinical testing. Allele origin: germline.
Comment: the same text as in the submission from Illumina Laboratory Services, Illumina above.

Center for Human Genetics, Inc
Classification: Likely benign for Connective tissue disorder. Last evaluated: 2016-11-01. Review status: criteria provided, single submitter. Criteria: ACMG Guidelines, 2015. Collection method: clinical testing. Allele origin: germline. Affected: yes.

Ambry Genetics
Classification: Likely benign for Familial thoracic aortic aneurysm and aortic dissection. Last evaluated: 2016-06-03. Review status: criteria provided, single submitter. Criteria: Ambry Variant Classification Scheme 2023. Collection method: clinical testing. Allele origin: germline.

GeneDx
Classification: Benign. Last evaluated: 2013-11-01. Review status: criteria provided, single submitter. Criteria: GeneDx Variant Classification (06012015). Collection method: clinical testing. Allele origin: germline. Affected: yes.
Comment: This variant is considered likely benign or benign based on one or more of the following criteria: it is a conservative change, it occurs at a poorly conserved position in the protein, it is predicted to be benign by multiple in silico algorithms, and/or has population frequency not consistent with disease.

Laboratory for Molecular Medicine, Mass General Brigham Personalized Medicine
Classification: Likely benign. Last evaluated: 2012-07-19. Review status: criteria provided, single submitter. Criteria: LMM Criteria. Collection method: clinical testing. Allele origin: germline. Observed: 1 variant allele.
Comment: Asn725Asn in Exon 18 of FBN1: This variant is not expected to have clinical sign ificance because it does not alter an amino acid residue, is not located within the splice consensus sequence. It has been identified in 0.06% (5/8592) of Europ ean American chromosomes from a broad population by the NHLBI Exome Sequencing P roject (dbSNP rs140606).